The following is an entry in ClinVar:

ClinVar aggregate classification (germline): Uncertain significance (1 of 4 stars; one submission).

Conditions:
Nizon-Isidor syndrome. Identifiers: MedGen C5394350, MONDO:0030030, OMIM 618872.

gnomAD v4.1: 11 of 1,614,070 alleles (0.00068%); highest among the groups gnomAD compares: South Asian, 0.0055%; no homozygotes.

Submission:

Neuberg Centre For Genomic Medicine, NCGM
Classification: Uncertain significance for Nizon-Isidor syndrome. Review status: criteria provided, single submitter. Criteria: ACMG Guidelines, 2015. Collection method: clinical testing. Allele origin: germline. Inheritance: Autosomal dominant inheritance. Affected: yes.
Comment: The observed missense c.3008A>G p.Asn1003Ser variant in MED12L gene has not been reported previously as a pathogenic variant nor as a benign variant, to our knowledge. The p.Asn1003Ser variant has allele frequency 0.002% in gnomAD Exomes. This variant has not been submitted to the ClinVar database. Multiple lines of computational evidence Polyphen - Benign, SIFT - Tolerated and MutationTaster - Disease causing predicts conflicting evidence on protein structure and function for this variant. The reference amino acid on MED12L gene is predicted as conserved by GERP++ and PhyloP across 100 vertebrates. The amino acid Asn at position 1003 is changed to a Ser changing protein sequence and it might alter its composition and physico-chemical properties. For these reasons, this variant has been classified as Variant of Uncertain Significance VUS.

NM_001393769.1(MED12L):c.3113A>G (p.Asn1038Ser)

Genes: MED12L (mediator complex subunit 12L; plus strand), P2RY12 (purinergic receptor P2Y12; minus strand). Cytogenetic location: 3q25.1.
Variant type: single nucleotide variant.
Coding change: c.3113A>G on transcript NM_001393769.1 (MANE Select); coding-DNA position 3113, A replaced by G.
Protein change: p.Asn1038Ser; replaces asparagine 1038 with serine.
Molecular consequence: missense variant. On other transcripts: intron variant (1).
Genome position (GRCh38, 1-based): chr3:151,365,134, A>G. VCF-style: chr3-151365134-A-G. GRCh37 (hg19) VCF-style: chr3-151082922-A-G.
Other names: c.3008A>G, p.Asn1003Ser (NM_053002.6); c.-180+19558T>C (NM_022788.5); short protein forms N1003S, N1038S.
Identifiers: ClinVar variation 3393438 (VCV003393438.1).